The following is an entry in ClinVar:

NM_000379.4(XDH):c.2634T>C (p.Ile878=)

Gene: XDH (xanthine dehydrogenase; minus strand). Cytogenetic location: 2p23.1.
Variant type: single nucleotide variant.
Coding change: c.2634T>C on transcript NM_000379.4 (MANE Select); coding-DNA position 2634, T replaced by C.
Protein change: p.Ile878=; no amino-acid change (isoleucine 878 retained).
Molecular consequence: synonymous variant.
Genome position (GRCh38, 1-based): chr2:31,350,221, A>G on the plus strand (T>C on the coding strand, the complement: XDH is on the minus strand). VCF-style: chr2-31350221-A-G. GRCh37 (hg19) VCF-style: chr2-31573087-A-G.
Identifiers: ClinVar variation 335770 (VCV000335770.19), dbSNP rs146994573, ClinGen allele CA1598721.

ClinVar aggregate classification (germline): Conflicting classifications of pathogenicity. Review status: criteria provided, conflicting classifications (1 of 4 stars). 7 submissions from 7 submitters: Uncertain significance (1); Benign (1); Likely benign (2). 3 of the submissions do not count toward it. Last evaluated 2025-12-02.

Conditions:
XDH-related disorder. Also called: XDH-related condition.
Xanthinuria type II. Also called: Xanthine dehydrogenase and aldehyde oxidase combined deficiency of; XDH and AOX dual deficiency. Identifiers: Orphanet 3467, Orphanet 93602, MedGen C1863688, MONDO:0011346, OMIM 603592.
Hereditary xanthinuria type 1 (XAN1). Identifiers: Orphanet 3467, Orphanet 93601, MedGen C0268118, MONDO:0010209, OMIM 278300.

Allele frequency attached by ClinVar (database versions not stated): 1000 Genomes Project 0.00140; 1000 Genomes Project 30x 0.00141; ESP Exome Variant Server 0.00200; TOPMed 0.00205; gnomAD 0.00220 and 0.00224; gnomAD exomes 0.00272 and 0.00286; ExAC 0.00303.
gnomAD v4.1: 4,524 of 1,614,150 alleles (0.28%); highest among the groups gnomAD compares: South Asian, 0.37%; 11 homozygotes.

Submissions (7):

Labcorp Genetics (formerly Invitae), Labcorp
Classification: Benign for Xanthinuria type II. Last evaluated: 2025-12-02. Review status: criteria provided, single submitter. Criteria: Invitae Variant Classification Sherloc (09022015). Collection method: clinical testing. Allele origin: germline.

Blueprint Genetics
Classification: Likely benign. Last evaluated: 2024-11-26. Review status: criteria provided, single submitter. Criteria: ACMG Guidelines, 2015. Collection method: clinical testing. Allele origin: germline.

GeneDx
Classification: Likely benign. Last evaluated: 2021-05-05. Review status: criteria provided, single submitter. Criteria: GeneDx Variant Classification Process June 2021. Collection method: clinical testing. Allele origin: germline. Affected: yes.

Illumina Laboratory Services, Illumina
Classification: Uncertain significance for Hereditary xanthinuria type 1. Last evaluated: 2018-01-12. Review status: criteria provided, single submitter. Criteria: ICSL Variant Classification Criteria 13 December 2019. Collection method: clinical testing. Allele origin: germline.

PreventionGenetics, part of Exact Sciences
Classification: Likely benign for XDH-related condition. Last evaluated: 2019-12-17. Review status: no assertion criteria provided. Collection method: clinical testing. Allele origin: germline. Not counted in ClinVar's aggregate classification.
Comment: This variant is classified as likely benign based on ACMG/AMP sequence variant interpretation guidelines (Richards et al. 2015 PMID: 25741868, with internal and published modifications).

Clinical Genetics DNA and cytogenetics Diagnostics Lab, Erasmus MC, Erasmus Medical Center
Classification: Likely benign. Review status: no assertion criteria provided. Collection method: clinical testing. Allele origin: germline. Affected: yes. Study: VKGL Data-share Consensus. Not counted in ClinVar's aggregate classification.

Genome Diagnostics Laboratory, University Medical Center Utrecht
Classification: Likely benign. Review status: no assertion criteria provided. Collection method: clinical testing. Allele origin: germline. Affected: yes. Study: VKGL Data-share Consensus. Not counted in ClinVar's aggregate classification.